The following is an entry in ClinVar:

ClinVar aggregate classification (germline): Likely benign. Review status: criteria provided, multiple submitters, no conflicts (2 of 4 stars). 2 submissions from 2 submitters: Likely benign (2). Last evaluated 2026-04-24.

Conditions:
Acyl-CoA oxidase deficiency. Also called: Pseudoneonatal adrenoleukodystrophy; Peroxisomal acyl-CoA oxidase deficiency; STRAIGHT-CHAIN ACYL-CoA OXIDASE DEFICIENCY. Identifiers: Orphanet 2971, MedGen C1849678, MONDO:0009919, OMIM 264470. Disease mechanism: loss of function.
ACOX1-related disorder. Also called: ACOX1-related disorders; ACOX1-related condition.

Allele frequency attached by ClinVar (database versions not stated): gnomAD exomes below 0.00001 and 0.00001; ExAC 0.00001.
gnomAD v4.1: 1 of 1,614,218 alleles (0.000062%); highest among the groups gnomAD compares: Non-Finnish European, 0.000085%; no homozygotes.

Submissions (2):

PreventionGenetics, part of Exact Sciences
Classification: Likely benign for ACOX1-related condition. Last evaluated: 2026-04-24. Review status: criteria provided, single submitter. Criteria: ACMG Guidelines, 2015. Collection method: clinical testing. Allele origin: germline.
Comment: This variant is classified as likely benign based on ACMG/AMP sequence variant interpretation guidelines (Richards et al. 2015 PMID: 25741868, with internal and published modifications).

Labcorp Genetics (formerly Invitae), Labcorp
Classification: Likely benign for Acyl-CoA oxidase deficiency. Last evaluated: 2025-12-26. Review status: criteria provided, single submitter. Criteria: Invitae Variant Classification Sherloc (09022015). Collection method: clinical testing. Allele origin: germline.

NM_004035.7(ACOX1):c.1554A>C (p.Leu518=)

Gene: ACOX1 (acyl-CoA oxidase 1; minus strand). Cytogenetic location: 17q25.1.
Variant type: single nucleotide variant.
Coding change: c.1554A>C on transcript NM_004035.7 (MANE Select); coding-DNA position 1554, A replaced by C.
Protein change: p.Leu518=; no amino-acid change (leucine 518 retained).
Molecular consequence: synonymous variant.
Genome position (GRCh38, 1-based): chr17:75,949,525, T>G on the plus strand (A>C on the coding strand, the complement: ACOX1 is on the minus strand). VCF-style: chr17-75949525-T-G. GRCh37 (hg19) VCF-style: chr17-73945606-T-G.
Other names: c.1440A>C, p.Leu480= (NM_001185039.2); c.1554A>C, p.Leu518= (NM_007292.6); c.1554A>C (NM_004035.6).
Identifiers: ClinVar variation 1093552 (VCV001093552.10), dbSNP rs760216161, ClinGen allele CA8776737.